The following is an entry in ClinVar:

NM_015721.3(GEMIN4):c.1074C>T (p.Asn358=)

Gene: GEMIN4 (gem nuclear organelle associated protein 4; minus strand). Cytogenetic location: 17p13.3.
Variant type: single nucleotide variant.
Coding change: c.1074C>T on transcript NM_015721.3 (MANE Select); coding-DNA position 1074, C replaced by T.
Protein change: p.Asn358=; no amino-acid change (asparagine 358 retained).
Molecular consequence: synonymous variant.
Genome position (GRCh38, 1-based): chr17:746,969, G>A on the plus strand (C>T on the coding strand, the complement: GEMIN4 is on the minus strand). VCF-style: chr17-746969-G-A. GRCh37 (hg19) VCF-style: chr17-650209-G-A.
Identifiers: ClinVar variation 2647171 (VCV002647171.26), dbSNP rs199826862, ClinGen allele CA8262725.

ClinVar aggregate classification (germline): Likely benign. Review status: criteria provided, multiple submitters, no conflicts (2 of 4 stars). 3 submissions from 3 submitters: Likely benign (2). 1 of the submissions does not count toward it. Last evaluated 2025-06-01.

Conditions:
GEMIN4-related disorder. Also called: GEMIN4-related condition.

Allele frequency attached by ClinVar (database versions not stated): ESP Exome Variant Server 0.00008; gnomAD 0.00010; ExAC 0.00011; TOPMed 0.00011; 1000 Genomes Project 30x 0.00031; 1000 Genomes Project 0.00040.
gnomAD v4.1: 228 of 1,613,250 alleles (0.014%); highest among the groups gnomAD compares: Non-Finnish European, 0.015%; no homozygotes.

Submissions (3):

CeGaT Center for Human Genetics Tuebingen
Classification: Likely benign. Last evaluated: 2025-06-01. Review status: criteria provided, single submitter. Criteria: CeGaT Center For Human Genetics Tuebingen Variant Classification Criteria Version 2. Collection method: clinical testing. Allele origin: germline. Affected: yes. Observed: 2 variant alleles.
Comment: GEMIN4: BP4, BP7

Blueprint Genetics
Classification: Likely benign. Last evaluated: 2024-09-09. Review status: criteria provided, single submitter. Criteria: ACMG Guidelines, 2015. Collection method: clinical testing. Allele origin: germline.

PreventionGenetics, part of Exact Sciences
Classification: Likely benign for GEMIN4-related condition. Last evaluated: 2019-03-11. Review status: no assertion criteria provided. Collection method: clinical testing. Allele origin: germline. Not counted in ClinVar's aggregate classification.
Comment: This variant is classified as likely benign based on ACMG/AMP sequence variant interpretation guidelines (Richards et al. 2015 PMID: 25741868, with internal and published modifications).